The following is an entry in ClinVar:

ClinVar aggregate classification (germline): Uncertain significance (1 of 4 stars; one submission).

Submission:

GeneDx
Classification: Uncertain significance. Last evaluated: 2024-05-28. Review status: criteria provided, single submitter. Criteria: GeneDx Variant Classification Process June 2021. Collection method: clinical testing. Allele origin: germline. Affected: yes.
Comment: Not observed at significant frequency in large population cohorts (gnomAD); In silico analysis supports that this missense variant has a deleterious effect on protein structure/function; Has not been previously published as pathogenic or benign to our knowledge

NM_005068.3(SIM1):c.712C>G (p.Leu238Val)

Gene: SIM1 (SIM bHLH transcription factor 1; minus strand). Cytogenetic location: 6q16.3.
Variant type: single nucleotide variant.
Coding change: c.712C>G on transcript NM_005068.3 (MANE Select); coding-DNA position 712, C replaced by G.
Protein change: p.Leu238Val; replaces leucine 238 with valine.
Molecular consequence: missense variant.
Genome position (GRCh38, 1-based): chr6:100,448,510, G>C on the plus strand (C>G on the coding strand, the complement: SIM1 is on the minus strand). VCF-style: chr6-100448510-G-C. GRCh37 (hg19) VCF-style: chr6-100896386-G-C.
Other names: c.712C>G, p.Leu238Val (NM_001374769.1); short protein forms L238V.
Identifiers: ClinVar variation 3383487 (VCV003383487.1).
Genomic context (GRCh38, chr6:100,448,510, plus strand): 5'-AGAGGCCCTTTCCGGCCCTGCCCACCCACCTGGAGTCCAGAAAGATGAGCTTCATGTCCA[G>C]GCTGGCGCGGAACATAAACATATTGCTGTGTAGCTTGATCTCCGTGACGGCGCTGGGAGG-3'
Protein context (NP_005059.2, residues 228-248): HSNMFMFRAS[Leu238Val]DMKLIFLDSR